The following is an entry in ClinVar:

NM_206933.4(USH2A):c.4210G>T (p.Glu1404Ter)

Genes: USH2A (usherin; minus strand), USH2A-AS1 (USH2A antisense RNA 1; plus strand). Cytogenetic location: 1q41.
Variant type: single nucleotide variant.
Coding change: c.4210G>T on transcript NM_206933.4 (MANE Select); coding-DNA position 4210, G replaced by T.
Protein change: p.Glu1404Ter; replaces glutamic acid 1404 with a stop codon.
Molecular consequence: nonsense.
Genome position (GRCh38, 1-based): chr1:216,196,594, C>A on the plus strand (G>T on the coding strand, the complement: USH2A is on the minus strand). VCF-style: chr1-216196594-C-A. GRCh37 (hg19) VCF-style: chr1-216369936-C-A.
Other names: c.4210G>T, p.Glu1404Ter (NM_007123.6); short protein forms E1404*.
Identifiers: ClinVar variation 813119 (VCV000813119.4), dbSNP rs2034849647, ClinGen allele CA344866248.
Genomic context (GRCh38, chr1:216,196,594, plus strand): 5'-TAGTTAAAAATAACAATACCTGTGAAAACGCCATGGGAATAGACTGTTGAGGTGATTGTT[C>A]AGAAAGCATATTGATGTCATACCCCACAACTTTTCCTCTTGTAACATTATCTGCTGGCTT-3'

ClinVar aggregate classification (germline): Pathogenic. Review status: criteria provided, multiple submitters, no conflicts (2 of 4 stars). 2 submissions from 2 submitters: Pathogenic (2). Last evaluated 2023-12-20.

Conditions:
Usher syndrome type 2. Also called: Usher Syndrome Type II. Identifiers: Orphanet 231178, MedGen C0339534, MONDO:0016484.

Submissions (2):

Labcorp Genetics (formerly Invitae), Labcorp
Classification: Pathogenic. Last evaluated: 2023-12-20. Review status: criteria provided, single submitter. Criteria: Invitae Variant Classification Sherloc (09022015). Collection method: clinical testing. Allele origin: germline.
Comment: This sequence change creates a premature translational stop signal (p.Glu1404*) in the USH2A gene. It is expected to result in an absent or disrupted protein product. Loss-of-function variants in USH2A are known to be pathogenic (PMID: 10729113, 10909849, 20507924, 25649381). This variant is not present in population databases (gnomAD no frequency). This premature translational stop signal has been observed in individual(s) with USH2A-related conditions (PMID: 32531858). ClinVar contains an entry for this variant (Variation ID: 813119). Algorithms developed to predict the effect of sequence changes on RNA splicing suggest that this variant may disrupt the consensus splice site. For these reasons, this variant has been classified as Pathogenic.

Molecular Genetics Laboratory, Institute for Ophthalmic Research
Classification: Pathogenic for Usher syndrome type 2. Last evaluated: 2020-01-09. Review status: criteria provided, single submitter. Criteria: ACMG Guidelines, 2015. Collection method: research. Allele origin: germline. Affected: yes.

Literature cited by the submitters: PubMed 10729113 (cited by Labcorp Genetics (formerly Invitae), Labcorp); PubMed 10909849 (cited by Labcorp Genetics (formerly Invitae), Labcorp); PubMed 20507924 (cited by Labcorp Genetics (formerly Invitae), Labcorp); PubMed 25649381 (cited by Labcorp Genetics (formerly Invitae), Labcorp); PubMed 32531858 (cited by Labcorp Genetics (formerly Invitae), Labcorp).